The following is an entry in ClinVar:

ClinVar aggregate classification (germline): Benign/Likely benign. Review status: criteria provided, multiple submitters, no conflicts (2 of 4 stars). 5 submissions from 5 submitters: Benign (2); Likely benign (3). Last evaluated 2026-01-02.

Conditions:
Inborn genetic diseases. Identifiers: MedGen C0950123, MeSH D030342.

Allele frequency attached by ClinVar (database versions not stated): 1000 Genomes Project 0.00100; ESP Exome Variant Server 0.00117; 1000 Genomes Project 30x 0.00141; gnomAD 0.00202 and 0.00203; TOPMed 0.00213; ExAC 0.00287; gnomAD exomes 0.00353.
gnomAD v4.1: 2,306 of 1,394,414 alleles (0.17%); highest among the groups gnomAD compares: South Asian, 0.23%; 44 homozygotes.

Submissions (5):

Labcorp Genetics (formerly Invitae), Labcorp
Classification: Likely benign. Last evaluated: 2026-01-02. Review status: criteria provided, single submitter. Criteria: Invitae Variant Classification Sherloc (09022015). Collection method: clinical testing. Allele origin: germline.

CeGaT Center for Human Genetics Tuebingen
Classification: Benign. Last evaluated: 2024-12-01. Review status: criteria provided, single submitter. Criteria: CeGaT Center For Human Genetics Tuebingen Variant Classification Criteria Version 2. Collection method: clinical testing. Allele origin: germline. Affected: yes. Observed: 2 variant alleles.
Comment: NKX6-2: PP3, BS1, BS2

Ambry Genetics
Classification: Likely benign for Inborn genetic diseases. Last evaluated: 2023-02-16. Review status: criteria provided, single submitter. Criteria: Ambry Variant Classification Scheme 2023. Collection method: clinical testing. Allele origin: germline.

Mayo Clinic Laboratories, Mayo Clinic
Classification: Benign. Last evaluated: 2022-03-23. Review status: criteria provided, single submitter. Criteria: ACMG Guidelines, 2015. Collection method: clinical testing. Allele origin: germline. Observed: 5 variant alleles.

Breakthrough Genomics
Classification: Likely benign. Review status: criteria provided, single submitter. Criteria: ACMG Guidelines, 2015. Collection method: not provided. Allele origin: germline. Inheritance: Autosomal recessive inheritance. Affected: yes.

NM_177400.3(NKX6-2):c.64A>C (p.Met22Leu)

Gene: NKX6-2 (NK6 homeobox 2; minus strand). Cytogenetic location: 10q26.3.
Variant type: single nucleotide variant.
Coding change: c.64A>C on transcript NM_177400.3 (MANE Select); coding-DNA position 64, A replaced by C.
Protein change: p.Met22Leu; replaces methionine 22 with leucine.
Molecular consequence: missense variant.
Genome position (GRCh38, 1-based): chr10:132,785,885, T>G on the plus strand (A>C on the coding strand, the complement: NKX6-2 is on the minus strand). VCF-style: chr10-132785885-T-G. GRCh37 (hg19) VCF-style: chr10-134599389-T-G.
Other names: p.Met22Leu; c.64A>C (NM_177400.2); short protein forms M22L.
Identifiers: ClinVar variation 1117420 (VCV001117420.34), dbSNP rs201425867, ClinGen allele CA5756157.